The following is an entry in ClinVar:

NM_001498.4(GCLC):c.-29AGG[10]

Genes: GCLC (glutamate-cysteine ligase catalytic subunit; minus strand), LOC129996649 (ATAC-STARR-seq lymphoblastoid silent region 17291; plus strand). Cytogenetic location: 6p12.1.
Variant type: Microsatellite.
Coding change: c.-29AGG[10] on transcript NM_001498.4 (MANE Select); ten copies in a row of the 3-base unit AGG starting at c.-29; the reference has seven copies in a row; three copies, 9 bases duplicated.
Molecular consequence: 5 prime UTR variant.
Genome position (GRCh38, 1-based): chr6:53,544,654-53,544,662, CCTCCTCCT duplicated on the plus strand (AGGAGGAGG on the coding strand, the reverse complement: GCLC is on the minus strand); duplicating any 9 consecutive bases within chr6:53,544,654-53,544,676 gives the same sequence; the position shown is the placement nearest the transcript's 3' end. VCF-style (leftmost placement, unchanged base first): chr6-53544653-C-CCCTCCTCCT. GRCh37 (hg19) VCF-style: chr6-53409451-C-CCCTCCTCCT.
Other names: p.?; c.-29AGG[10] (NM_001197115.2); c.-17_-9dup (NM_001498.4).
Identifiers: ClinVar variation 1333168 (VCV001333168.16), dbSNP rs3830798, ClinGen allele CA3860470.

ClinVar aggregate classification (germline): Benign/Likely benign. Review status: criteria provided, multiple submitters, no conflicts (2 of 4 stars). 2 submissions from 2 submitters: Benign (1); Likely benign (1). Last evaluated 2025-08-20.

Submissions (2):

Mayo Clinic Laboratories, Mayo Clinic
Classification: Likely benign. Last evaluated: 2025-08-20. Review status: criteria provided, single submitter. Criteria: ACMG Guidelines, 2015. Collection method: clinical testing. Allele origin: germline. Observed: 1 variant allele.
Comment: BS2, BP4

ARUP Laboratories, Molecular Genetics and Genomics, ARUP Laboratories
Classification: Benign. Last evaluated: 2025-06-06. Review status: criteria provided, single submitter. Criteria: ARUP Molecular Germline Variant Investigation Process 2024. Collection method: clinical testing. Allele origin: germline.

Literature cited by the submitters: PubMed 21444626 (cited by Mayo Clinic Laboratories, Mayo Clinic).